The following is an entry in ClinVar:

NM_015662.3(IFT172):c.637G>A (p.Ala213Thr)

Gene: IFT172 (intraflagellar transport 172; minus strand). Cytogenetic location: 2p23.3.
Variant type: single nucleotide variant.
Coding change: c.637G>A on transcript NM_015662.3 (MANE Select); coding-DNA position 637, G replaced by A.
Protein change: p.Ala213Thr; replaces alanine 213 with threonine.
Molecular consequence: missense variant.
Genome position (GRCh38, 1-based): chr2:27,481,194, C>T on the plus strand (G>A on the coding strand, the complement: IFT172 is on the minus strand). VCF-style: chr2-27481194-C-T. GRCh37 (hg19) VCF-style: chr2-27704061-C-T.
Other names: c.637G>A, p.Ala213Thr (NM_001410739.1); short protein forms A213T.
Identifiers: ClinVar variation 3363720 (VCV003363720.1).
Genomic context (GRCh38, chr2:27,481,194, plus strand): 5'-CAAAAGTTTGTAGCATGTGACCTTCTTTTCCATAGGCTACAATTTTCCGATCACAGCCTG[C>T]AGCCACGATGCTATTGGTTGCCCATGCCAAGGCATAGGGTGGACACGGGTGGTTAACCAA-3'
Protein context (NP_056477.1, residues 203-223): LAWATNSIVA[Ala213Thr]GCDRKIVAYG

ClinVar aggregate classification (germline): Uncertain significance (1 of 4 stars; one submission).

Submission:

GeneDx
Classification: Uncertain significance. Last evaluated: 2023-11-07. Review status: criteria provided, single submitter. Criteria: GeneDx Variant Classification Process June 2021. Collection method: clinical testing. Allele origin: germline. Affected: yes.
Comment: Not observed at significant frequency in large population cohorts (gnomAD); In silico analysis supports that this missense variant has a deleterious effect on protein structure/function; Has not been previously published as pathogenic or benign to our knowledge